The following is an entry in ClinVar:

NM_014855.3(AP5Z1):c.849C>T (p.Ala283=)

Gene: AP5Z1 (adaptor related protein complex 5 subunit zeta 1; plus strand). Cytogenetic location: 7p22.1.
Variant type: single nucleotide variant.
Coding change: c.849C>T on transcript NM_014855.3 (MANE Select); coding-DNA position 849, C replaced by T.
Protein change: p.Ala283=; no amino-acid change (alanine 283 retained).
Molecular consequence: synonymous variant. On other transcripts: non-coding transcript variant (1).
Genome position (GRCh38, 1-based): chr7:4,784,966, C>T. VCF-style: chr7-4784966-C-T. GRCh37 (hg19) VCF-style: chr7-4824597-C-T.
Other names: c.849C>T, p.Ala283= (LRG_1247t1); c.381C>T, p.Ala127= (NM_001364858.1).
Identifiers: ClinVar variation 240944 (VCV000240944.45), dbSNP rs572271008, ClinGen allele CA4137421.

ClinVar aggregate classification (germline): Conflicting classifications of pathogenicity. Review status: criteria provided, conflicting classifications (1 of 4 stars). 6 submissions from 6 submitters: Uncertain significance (2); Likely benign (3). 1 of the submissions does not count toward it. Last evaluated 2026-09-01.

Conditions:
Hereditary spastic paraplegia 48. Also called: SPASTIC PARAPLEGIA 48, AUTOSOMAL RECESSIVE; Spastic paraplegia 48. Identifiers: Orphanet 306511, MedGen C3150901, MONDO:0013342, OMIM 613647.
AP5Z1-related disorder. Also called: AP5Z1-related condition.
Hereditary spastic paraplegia. Also called: Familial spastic paraparesis. Identifiers: Orphanet 685, MedGen C0037773, MONDO:0019064. Disease mechanism: loss of function.

Allele frequency attached by ClinVar (database versions not stated): ExAC 0.00030; 1000 Genomes Project 30x 0.00031; gnomAD exomes 0.00033; 1000 Genomes Project 0.00040; gnomAD 0.00057 and 0.00060; TOPMed 0.00061.
gnomAD v4.1: 624 of 1,612,050 alleles (0.039%); highest among the groups gnomAD compares: Admixed American, 0.097%; no homozygotes.

Submissions (6):

CeGaT Center for Human Genetics Tuebingen
Classification: Likely benign. Last evaluated: 2026-09-01. Review status: criteria provided, single submitter. Criteria: CeGaT Center For Human Genetics Tuebingen Variant Classification Criteria Version 2. Collection method: clinical testing. Allele origin: germline. Affected: yes. Observed: 3 variant alleles.
Comment: AP5Z1: BP4, BP7

Labcorp Genetics (formerly Invitae), Labcorp
Classification: Likely benign for Hereditary spastic paraplegia 48. Last evaluated: 2026-01-21. Review status: criteria provided, single submitter. Criteria: Invitae Variant Classification Sherloc (09022015). Collection method: clinical testing. Allele origin: germline.

Athena Diagnostics
Classification: Likely benign. Last evaluated: 2024-08-30. Review status: criteria provided, single submitter. Criteria: Athena Diagnostics Criteria. Collection method: clinical testing. Allele origin: unknown.

Genome Diagnostics Laboratory, The Hospital for Sick Children
Classification: Uncertain significance for Hereditary spastic paraplegia. Last evaluated: 2020-08-12. Review status: criteria provided, single submitter. Criteria: ACMG Guidelines, 2015. Collection method: clinical testing. Allele origin: germline. Affected: yes.

Illumina Laboratory Services, Illumina
Classification: Uncertain significance for Hereditary spastic paraplegia 48. Last evaluated: 2018-03-02. Review status: criteria provided, single submitter. Criteria: ICSL Variant Classification Criteria 13 December 2019. Collection method: clinical testing. Allele origin: germline.

PreventionGenetics, part of Exact Sciences
Classification: Likely benign for AP5Z1-related condition. Last evaluated: 2019-02-22. Review status: no assertion criteria provided. Collection method: clinical testing. Allele origin: germline. Not counted in ClinVar's aggregate classification.
Comment: This variant is classified as likely benign based on ACMG/AMP sequence variant interpretation guidelines (Richards et al. 2015 PMID: 25741868, with internal and published modifications).